The following is an entry in ClinVar:

ClinVar aggregate classification (germline): Pathogenic (1 of 4 stars; one submission).

Submission:

GeneDx
Classification: Pathogenic. Last evaluated: 2017-05-24. Review status: criteria provided, single submitter. Criteria: GeneDx Variant Classification (06012015). Collection method: clinical testing. Allele origin: germline. Affected: yes.
Comment: The c.855dupA variant in the ZEB2 gene has not been reported previously as a pathogenic variant nor as a benign variant, to our knowledge. The c.855dupA variant causes a frameshift starting with codon Glutamic Acid 286, changes this amino acid to an Arginine residue, and creates a premature Stop codon at position 9 of the new reading frame, denoted p.Glu286ArgfsX9. This variant is predicted to cause loss of normal protein function either through protein truncation or nonsense-mediated mRNA decay. The c.855dupA variant is not observed in large population cohorts (Lek et al., 2016; 1000 Genomes Consortium et al., 2015; Exome Variant Server). We interpret c.855dupA as a pathogenic variant.

NM_014795.4(ZEB2):c.855dup (p.Glu286fs)

Gene: ZEB2 (zinc finger E-box binding homeobox 2; minus strand). Cytogenetic location: 2q22.3.
Variant type: Duplication.
Coding change: c.855dup on transcript NM_014795.4 (MANE Select); coding-DNA position 855, one base duplicated (A; older notation c.855dupA).
Protein change: p.Glu286fs; shifts the reading frame from glutamic acid 286.
Molecular consequence: frameshift variant.
Genome position (GRCh38, 1-based): chr2:144,401,260, T duplicated on the plus strand (A on the coding strand, the reverse complement: ZEB2 is on the minus strand). VCF-style (leftmost placement, unchanged base first): chr2-144401259-C-CT. GRCh37 (hg19) VCF-style: chr2-145158826-C-CT.
Other names: c.783dup, p.Glu262fs (NM_001171653.2); c.855dupA (NM_014795.3); short protein forms E262fs, E286fs.
Identifiers: ClinVar variation 430336 (VCV000430336.2), dbSNP rs1131691912, ClinGen allele CA645369160.
Genomic context (GRCh38, chr2:144,401,259, plus strand): 5'-CACTGTGAATTCGCAGGTGTTCTTTCAGATGGTGTTTATATTTGAAGGCCTTGCCACACT[C>CT]TGTGCATTTGAACTTGCGATTACCTGCTCCTTGGGTTAGCATTTGGTGCTATAAAAGGAG-3'